The following is an entry in ClinVar:

NM_001184.4(ATR):c.1885dup (p.Ser629fs)

Gene: ATR (ATR checkpoint kinase; minus strand). Cytogenetic location: 3q23.
Variant type: Duplication.
Coding change: c.1885dup on transcript NM_001184.4 (MANE Select); coding-DNA position 1885, one base duplicated (T; older notation c.1885dupT).
Protein change: p.Ser629fs; shifts the reading frame from serine 629.
Molecular consequence: frameshift variant.
Genome position (GRCh38, 1-based): chr3:142,558,624, A duplicated on the plus strand (T on the coding strand, the reverse complement: ATR is on the minus strand); the first of 2 consecutive A bases (chr3:142,558,624-142,558,625); duplicating either gives the same sequence. VCF-style (leftmost placement, unchanged base first): chr3-142558623-C-CA. GRCh37 (hg19) VCF-style: chr3-142277465-C-CA.
Other names: c.1693dup, p.Ser565fs (NM_001354579.2); short protein forms S565fs, S629fs.
Identifiers: ClinVar variation 1454309 (VCV001454309.6), dbSNP rs2034767520, ClinGen allele CA1407030062.

ClinVar aggregate classification (germline): Pathogenic (1 of 4 stars; one submission).

Submission:

Labcorp Genetics (formerly Invitae), Labcorp
Classification: Pathogenic. Last evaluated: 2021-07-24. Review status: criteria provided, single submitter. Criteria: Invitae Variant Classification Sherloc (09022015). Collection method: clinical testing. Allele origin: germline.
Comment: This sequence change creates a premature translational stop signal (p.Ser629Phefs*22) in the ATR gene. It is expected to result in an absent or disrupted protein product. Loss-of-function variants in ATR are known to be pathogenic (PMID: 21228398, 23144622). This variant is not present in population databases (ExAC no frequency). This variant has not been reported in the literature in individuals affected with ATR-related conditions. Algorithms developed to predict the effect of sequence changes on RNA splicing suggest that this variant may create or strengthen a splice site. For these reasons, this variant has been classified as Pathogenic.

Literature cited by the submitters: PubMed 21228398; PubMed 23144622.